The following is an entry in ClinVar:

NM_002133.3(HMOX1):c.636+2T>A

Gene: HMOX1 (heme oxygenase 1; plus strand). Cytogenetic location: 22q12.3.
Variant type: single nucleotide variant.
Coding change: c.636+2T>A on transcript NM_002133.3 (MANE Select); the canonical splice donor site of the intron after coding-DNA position 636, T replaced by A.
Molecular consequence: splice donor variant.
Genome position (GRCh38, 1-based): chr22:35,387,178, T>A. VCF-style: chr22-35387178-T-A. GRCh37 (hg19) VCF-style: chr22-35783171-T-A.
Identifiers: ClinVar variation 1184829 (VCV001184829.6), dbSNP rs747083748, ClinGen allele CA10204768.

ClinVar aggregate classification (germline): Pathogenic. Review status: criteria provided, single submitter (1 of 4 stars). 3 submissions from 3 submitters: Pathogenic (1). 2 of the submissions do not count toward it. Last evaluated 2025-09-22.

Conditions:
Heme oxygenase 1 deficiency (HMOX1D). Identifiers: Orphanet 562509, MedGen C1841651, MONDO:0013536, OMIM 614034.

Allele frequency attached by ClinVar (database versions not stated): gnomAD exomes 0.00002; TOPMed below 0.00001; ExAC 0.00001; gnomAD 0.00001.
gnomAD v4.1: 24 of 1,613,220 alleles (0.0015%); highest among the groups gnomAD compares: Middle Eastern, 0.016%; no homozygotes.

Submissions (5):

Labcorp Genetics (formerly Invitae), Labcorp
Classification: Pathogenic. Last evaluated: 2025-09-22. Review status: criteria provided, single submitter. Criteria: Invitae Variant Classification Sherloc (09022015). Collection method: clinical testing. Allele origin: germline.
Comment: This sequence change affects a donor splice site in intron 3 of the HMOX1 gene. It is expected to disrupt RNA splicing. Variants that disrupt the donor or acceptor splice site typically lead to a loss of protein function (PMID: 16199547), and loss-of-function variants in HMOX1 are known to be pathogenic (PMID: 9884342, 21088618). This variant is present in population databases (rs747083748, gnomAD 0.007%). Disruption of this splice site has been observed in individual(s) with heme oxygenase 1 deficiency (PMID: 33066778). In at least one individual the data is consistent with being in trans (on the opposite chromosome) from a pathogenic variant. ClinVar contains an entry for this variant (Variation ID: 1184829). Algorithms developed to predict the effect of sequence changes on RNA splicing suggest that this variant may disrupt the consensus splice site. For these reasons, this variant has been classified as Pathogenic.

OMIM
Classification: Pathogenic for HEME OXYGENASE 1 DEFICIENCY. Last evaluated: 2021-11-30. Review status: no assertion criteria provided. Collection method: literature only. Allele origin: germline. Not counted in ClinVar's aggregate classification.

Dr. Peter K. Rogan Lab, Western University
No classification provided (evidence only). Condition: Uterine carcinosarcoma. Review status: no classification provided. Collection method: in vitro. Allele origin: not applicable. Functional consequence: skipped exon, retained intron. Not counted in ClinVar's aggregate classification.

Dr. Peter K. Rogan Lab, Western University
No classification provided (evidence only). Condition: Malignant tumor of esophagus. Review status: no classification provided. Collection method: in vitro. Allele origin: not applicable. Functional consequence: skipped exon, retained intron. Not counted in ClinVar's aggregate classification.

University of Washington Center for Mendelian Genomics, University of Washington
Classification: Likely pathogenic for Heme oxygenase 1 deficiency. Review status: no assertion criteria provided. Collection method: research. Allele origin: maternal. Affected: yes. Not counted in ClinVar's aggregate classification.

Literature cited by the submitters: PubMed 16199547 (cited by Labcorp Genetics (formerly Invitae), Labcorp); PubMed 9884342 (cited by Labcorp Genetics (formerly Invitae), Labcorp); PubMed 21088618 (cited by Labcorp Genetics (formerly Invitae), Labcorp); PubMed 33066778 (cited by 3 submitters).